The following is an entry in ClinVar:

NM_000052.7(ATP7A):c.702T>G (p.Phe234Leu)

Gene: ATP7A (ATPase copper transporting alpha; plus strand). Cytogenetic location: Xq21.1.
Variant type: single nucleotide variant.
Coding change: c.702T>G on transcript NM_000052.7 (MANE Select); coding-DNA position 702, T replaced by G.
Protein change: p.Phe234Leu; replaces phenylalanine 234 with leucine.
Molecular consequence: missense variant.
Genome position (GRCh38, 1-based): chrX:77,989,324, T>G. VCF-style: chrX-77989324-T-G. GRCh37 (hg19) VCF-style: chrX-77244820-T-G.
Other names: c.702T>G, p.Phe234Leu (NM_001282224.2); short protein forms F234L.
Identifiers: ClinVar variation 2946150 (VCV002946150.3), dbSNP rs2077656290, ClinGen allele CA413600627.

ClinVar aggregate classification (germline): Uncertain significance (1 of 4 stars; one submission).

Conditions:
Menkes kinky-hair syndrome (MNK). Also called: Copper transport disease; Menkes Disease; Classic Menkes Disease. Identifiers: Orphanet 565, MedGen C0022716, MONDO:0010651, OMIM 309400.
Cutis laxa, X-linked (OHS). Also called: EDS IX; Occipital horn syndrome. Identifiers: Orphanet 198, MedGen C0268353, MONDO:0010572, OMIM 304150.
X-linked distal spinal muscular atrophy type 3. Also called: ATP7A-Related Distal Motor Neuropathy; SPINAL MUSCULAR ATROPHY, DISTAL, X-LINKED RECESSIVE; NEURONOPATHY, DISTAL HEREDITARY MOTOR, X-LINKED; NEUROPATHY, DISTAL HEREDITARY MOTOR, X-LINKED. Identifiers: Orphanet 139557, MedGen C1845359, MONDO:0010338, OMIM 300489.

Allele frequency attached by ClinVar (database versions not stated): TOPMed 0.00001.

Submission:

Labcorp Genetics (formerly Invitae), Labcorp
Classification: Uncertain significance for X-linked distal spinal muscular atrophy type 3; Cutis laxa, X-linked; Menkes kinky-hair syndrome. Last evaluated: 2023-08-07. Review status: criteria provided, single submitter. Criteria: Invitae Variant Classification Sherloc (09022015). Collection method: clinical testing. Allele origin: germline.
Comment: This sequence change replaces phenylalanine, which is neutral and non-polar, with leucine, which is neutral and non-polar, at codon 234 of the ATP7A protein (p.Phe234Leu). This variant is not present in population databases (gnomAD no frequency). This variant has not been reported in the literature in individuals affected with ATP7A-related conditions. Advanced modeling of protein sequence and biophysical properties (such as structural, functional, and spatial information, amino acid conservation, physicochemical variation, residue mobility, and thermodynamic stability) performed at Invitae indicates that this missense variant is not expected to disrupt ATP7A protein function. In summary, the available evidence is currently insufficient to determine the role of this variant in disease. Therefore, it has been classified as a Variant of Uncertain Significance.